The following is an entry in ClinVar:

NM_138694.4(PKHD1):c.11452G>T (p.Val3818Phe)

Gene: PKHD1 (PKHD1 ciliary IPT domain containing fibrocystin/polyductin; minus strand). Cytogenetic location: 6p12.3.
Variant type: single nucleotide variant.
Coding change: c.11452G>T on transcript NM_138694.4 (MANE Select); coding-DNA position 11452, G replaced by T.
Protein change: p.Val3818Phe; replaces valine 3818 with phenylalanine.
Molecular consequence: missense variant.
Genome position (GRCh38, 1-based): chr6:51,638,903, C>A on the plus strand (G>T on the coding strand, the complement: PKHD1 is on the minus strand). VCF-style: chr6-51638903-C-A. GRCh37 (hg19) VCF-style: chr6-51503701-C-A.
Other names: short protein forms V3818F.
Identifiers: ClinVar variation 645403 (VCV000645403.13), dbSNP rs1385935333, ClinGen allele CA364421770.

ClinVar aggregate classification (germline): Conflicting classifications of pathogenicity. Review status: criteria provided, conflicting classifications (1 of 4 stars). 4 submissions from 4 submitters: Likely pathogenic (1); Uncertain significance (1). 2 of the submissions do not count toward it. Last evaluated 2022-12-02.

Conditions:
Autosomal recessive polycystic kidney disease (ARPKD). Also called: AR polycystic kidney disease. Identifiers: Orphanet 731, Orphanet 8378, MedGen C0085548, MeSH D017044, MONDO:0009889.
Polycystic kidney disease 4 (PKD4). Also called: POLYCYSTIC KIDNEY DISEASE 4 WITH OR WITHOUT POLYCYSTIC LIVER DISEASE; PKD3; POLYCYSTIC KIDNEY AND HEPATIC DISEASE 1; POLYCYSTIC KIDNEY DISEASE, INFANTILE, TYPE I; Autosomal Recessive Polycystic Kidney Disease – PKHD1. Identifiers: MedGen C4540575, MONDO:0033004, OMIM 263200.

Allele frequency attached by ClinVar (database versions not stated): gnomAD exomes below 0.00001; TOPMed 0.00001.
gnomAD v4.1: 1 of 1,613,410 alleles (0.000062%); highest among the groups gnomAD compares: Admixed American, 0.0017%; no homozygotes.

Submissions (4):

Labcorp Genetics (formerly Invitae), Labcorp
Classification: Likely pathogenic for Autosomal recessive polycystic kidney disease. Last evaluated: 2022-12-02. Review status: criteria provided, single submitter. Criteria: Invitae Variant Classification Sherloc (09022015). Collection method: clinical testing. Allele origin: germline.
Comment: ClinVar contains an entry for this variant (Variation ID: 645403). In summary, the currently available evidence indicates that the variant is pathogenic, but additional data are needed to prove that conclusively. Therefore, this variant has been classified as Likely Pathogenic. Advanced modeling of protein sequence and biophysical properties (such as structural, functional, and spatial information, amino acid conservation, physicochemical variation, residue mobility, and thermodynamic stability) has been performed at Invitae for this missense variant, however the output from this modeling did not meet the statistical confidence thresholds required to predict the impact of this variant on PKHD1 protein function. This missense change has been observed in individual(s) with clinical features of polycystic kidney disease (PMID: 30655312; Invitae). In at least one individual the data is consistent with being in trans (on the opposite chromosome) from a pathogenic variant. This variant is present in population databases (no rsID available, gnomAD 0.003%). This sequence change replaces valine, which is neutral and non-polar, with phenylalanine, which is neutral and non-polar, at codon 3818 of the PKHD1 protein (p.Val3818Phe).

HudsonAlpha Institute for Biotechnology
Classification: Uncertain significance for Polycystic kidney disease 4. Last evaluated: 2020-10-14. Review status: criteria provided, single submitter. Criteria: ACMG Guidelines, 2015. Collection method: research. Allele origin: paternal. Affected: yes. Observed: 1 compound heterozygote. Study: CSER-SouthSeq.
Comment: ACMG codes:PM2, PM3

Natera, Inc.
Classification: Uncertain significance for Autosomal recessive polycystic kidney disease. Last evaluated: 2021-08-31. Review status: no assertion criteria provided. Collection method: clinical testing. Allele origin: germline. Not counted in ClinVar's aggregate classification.

Yale Center for Mendelian Genomics, Yale University
Classification: Pathogenic for Autosomal recessive polycystic kidney disease. Last evaluated: 2019-01-17. Review status: no assertion criteria provided. Collection method: literature only. Allele origin: germline. Affected: yes. Observed: 1 compound heterozygote. Study: Yale Center for Mendelian Genomics. Not counted in ClinVar's aggregate classification.

Literature cited by the submitters: PubMed 30655312 (cited by Labcorp Genetics (formerly Invitae), Labcorp and Yale Center for Mendelian Genomics, Yale University).